The following is an entry in ClinVar:

ClinVar aggregate classification (germline): Uncertain significance. Review status: criteria provided, multiple submitters, no conflicts (2 of 4 stars). 6 submissions from 4 submitters: Uncertain significance (6). Last evaluated 2024-05-09.

Conditions:
Fibrochondrogenesis 2 (FBCG2). Identifiers: Orphanet 2021, MedGen C3281128, MONDO:0013795, OMIM 614524.
Otospondylomegaepiphyseal dysplasia, autosomal recessive (OSMEDB). Also called: Insley-Astley syndrome; CHONDRODYSTROPHY WITH SENSORINEURAL DEAFNESS. Identifiers: Orphanet 1427, MedGen CN034493, MONDO:0044206, OMIM 215150.
Otospondylomegaepiphyseal dysplasia, autosomal dominant (OSMEDA). Also called: COL11A2-Related Stickler Syndrome; Pierre Robin syndrome with fetal chondrodysplasia; Stickler syndrome, type 3. Identifiers: Orphanet 166100, Orphanet 3450, MedGen C1848488, MONDO:0008490, OMIM 184840.
Inborn genetic diseases. Identifiers: MedGen C0950123, MeSH D030342.

Allele frequency attached by ClinVar (database versions not stated): gnomAD exomes below 0.00001; gnomAD 0.00001.
gnomAD v4.1: 4 of 1,612,296 alleles (0.00025%); highest among the groups gnomAD compares: African/African-American, 0.0027%; no homozygotes.

Submissions (6):

GeneDx
Classification: Uncertain significance. Last evaluated: 2024-05-09. Review status: criteria provided, single submitter. Criteria: GeneDx Variant Classification Process June 2021. Collection method: clinical testing. Allele origin: germline. Affected: yes.
Comment: Not observed at significant frequency in large population cohorts (gnomAD); In silico analysis supports that this missense variant has a deleterious effect on protein structure/function; Has not been previously published as pathogenic or benign to our knowledge; Occurs in the triple helical domain at the X position in the canonical Gly-X-Y repeat; although this variant may have an effect on normal protein folding and function, missense substitution at the X position is not a common mechanism of disease

Ambry Genetics
Classification: Uncertain significance for Inborn genetic diseases. Last evaluated: 2024-03-19. Review status: criteria provided, single submitter. Criteria: Ambry Variant Classification Scheme 2023. Collection method: clinical testing. Allele origin: germline.

Blueprint Genetics
Classification: Uncertain significance. Last evaluated: 2019-12-04. Review status: criteria provided, single submitter. Criteria: ACMG Guidelines, 2015. Collection method: clinical testing. Allele origin: germline.

Illumina Laboratory Services, Illumina
Classification: Uncertain significance for Otospondylomegaepiphyseal dysplasia, autosomal recessive. Last evaluated: 2018-01-13. Review status: criteria provided, single submitter. Criteria: ICSL Variant Classification Criteria 13 December 2019. Collection method: clinical testing. Allele origin: germline.

Illumina Laboratory Services, Illumina
Classification: Uncertain significance for Fibrochondrogenesis 2. Last evaluated: 2018-01-13. Review status: criteria provided, single submitter. Criteria: ICSL Variant Classification Criteria 13 December 2019. Collection method: clinical testing. Allele origin: germline.

Illumina Laboratory Services, Illumina
Classification: Uncertain significance for Otospondylomegaepiphyseal dysplasia, autosomal dominant. Last evaluated: 2018-01-13. Review status: criteria provided, single submitter. Criteria: ICSL Variant Classification Criteria 13 December 2019. Collection method: clinical testing. Allele origin: germline.

NM_080680.3(COL11A2):c.3794A>G (p.Asn1265Ser)

Gene: COL11A2 (collagen type XI alpha 2 chain; minus strand). Cytogenetic location: 6p21.32.
Variant type: single nucleotide variant.
Coding change: c.3794A>G on transcript NM_080680.3 (MANE Select); coding-DNA position 3794, A replaced by G.
Protein change: p.Asn1265Ser; replaces asparagine 1265 with serine.
Molecular consequence: missense variant.
Genome position (GRCh38, 1-based): chr6:33,169,387, T>C on the plus strand (A>G on the coding strand, the complement: COL11A2 is on the minus strand). VCF-style: chr6-33169387-T-C. GRCh37 (hg19) VCF-style: chr6-33137164-T-C.
Other names: c.3473A>G, p.Asn1158Ser (NM_080679.3); c.3536A>G, p.Asn1179Ser (NM_080681.3); short protein forms N1179S, N1158S, N1265S.
Identifiers: ClinVar variation 905304 (VCV000905304.8), dbSNP rs1769701069, ClinGen allele CA363627420.
Genomic context (GRCh38, chr6:33,169,387, plus strand): 5'-CAGGTCTGTCATTCACAGGGCCTGAGAGGACTCAGCCCCCACTGCCCCAAACTCACAGGG[T>C]TCCCTTTGGGGCCATCATCGCCTGTGGGGCCTTTAGGCCCTGGTGGCCCTGGCTCTCCTG-3'
Protein context (NP_542411.2, residues 1255-1275): GPTGDDGPKG[Asn1265Ser]PGPVGFPGDP